The following is an entry in ClinVar:

NM_000138.5(FBN1):c.368G>C (p.Cys123Ser)

Gene: FBN1 (fibrillin 1; minus strand). Cytogenetic location: 15q21.1.
Variant type: single nucleotide variant.
Coding change: c.368G>C on transcript NM_000138.5 (MANE Select); coding-DNA position 368, G replaced by C.
Protein change: p.Cys123Ser; replaces cysteine 123 with serine.
Molecular consequence: missense variant.
Genome position (GRCh38, 1-based): chr15:48,600,213, C>G on the plus strand (G>C on the coding strand, the complement: FBN1 is on the minus strand). VCF-style: chr15-48600213-C-G. GRCh37 (hg19) VCF-style: chr15-48892410-C-G.
Other names: c.368G>C (NM_000138.4); short protein forms C123S.
Identifiers: ClinVar variation 1074922 (VCV001074922.11), dbSNP rs397515794, ClinGen allele CA392446598.

ClinVar aggregate classification (germline): Pathogenic/Likely pathogenic. Review status: criteria provided, multiple submitters, no conflicts (2 of 4 stars). 3 submissions from 3 submitters: Pathogenic (1); Likely pathogenic (2). Last evaluated 2026-03-26.

Conditions:
Familial thoracic aortic aneurysm and aortic dissection (TAAD). Also called: Thoracic aortic aneurysms and dissections. Identifiers: Orphanet 91387, MedGen C4707243, MONDO:0019625.
Marfan syndrome (MFS). Also called: Marfan syndrome type 1; Marfan's syndrome; Marfan syndrome, classic; MARFAN SYNDROME, TYPE I; FBN1-Related Marfan Syndrome. Identifiers: Orphanet 284963, Orphanet 558, MedGen C0024796, MONDO:0007947, OMIM 154700.
FBN1-related disorder. Also called: FBN1-related disorders.

Submissions (3):

Ambry Genetics
Classification: Likely pathogenic for Familial thoracic aortic aneurysm and aortic dissection. Last evaluated: 2026-03-26. Review status: criteria provided, single submitter. Criteria: Ambry Variant Classification Scheme 2023. Collection method: clinical testing. Allele origin: germline.
Comment: The p.C123S variant (also known as c.368G>C), located in coding exon 4 of the FBN1 gene, results from a G to C substitution at nucleotide position 368. The cysteine at codon 123 is replaced by serine, an amino acid with dissimilar properties. This variant was reported in individual(s) with features consistent with Marfan syndrome and related fibrillinopathies (Guo D et al. Graefes Arch Clin Exp Ophthalmol, 2023 Nov;261:3315-3324; Ambry internal data). The majority of FBN1 mutations identified to date have involved the substitution or generation of cysteine residues within cbEGF domains (Vollbrandt T et al. J Biol Chem. 2004;279(31):32924-32931). Internal structural analysis indicates this variant eliminates a disulfide bond critical for the structural integrity of the EGF2 domain (Ambry internal data). This amino acid position is highly conserved in available vertebrate species. In addition, this alteration is predicted to be deleterious by in silico analysis. This variant is considered to be rare based on population cohorts in the Genome Aggregation Database (gnomAD). Based on the majority of available evidence to date, this variant is likely to be pathogenic.

Labcorp Genetics (formerly Invitae), Labcorp
Classification: Pathogenic for Marfan syndrome; Familial thoracic aortic aneurysm and aortic dissection. Last evaluated: 2024-07-23. Review status: criteria provided, single submitter. Criteria: Invitae Variant Classification Sherloc (09022015). Collection method: clinical testing. Allele origin: germline.
Comment: This sequence change replaces cysteine, which is neutral and slightly polar, with serine, which is neutral and polar, at codon 123 of the FBN1 protein (p.Cys123Ser). This variant is not present in population databases (gnomAD no frequency). This missense change has been observed in individual(s) with clinical features of Marfan syndrome (Invitae). ClinVar contains an entry for this variant (Variation ID: 1074922). Advanced modeling of protein sequence and biophysical properties (such as structural, functional, and spatial information, amino acid conservation, physicochemical variation, residue mobility, and thermodynamic stability) performed at Invitae indicates that this missense variant is expected to disrupt FBN1 protein function with a positive predictive value of 95%. This variant affects a cysteine residue in the EGF-like, TGFBP or hybrid motif domains of FBN1. Cysteine residues are believed to be involved in intramolecular disulfide bridges and have been shown to be important for FBN1 protein structure (PMID: 16905551, 19349279). In addition, missense substitutions affecting cysteine residues within these domains are significantly overrepresented among patients with Marfan syndrome (PMID: 16571647, 17701892). This variant disrupts the p.Cys123 amino acid residue in FBN1. Other variant(s) that disrupt this residue have been observed in individuals with FBN1-related conditions (PMID: 16222657, 31098894), which suggests that this may be a clinically significant amino acid residue. For these reasons, this variant has been classified as Pathogenic.

Blueprint Genetics
Classification: Likely pathogenic for FBN1-related disorders. Last evaluated: 2024-05-02. Review status: criteria provided, single submitter. Criteria: ACMG Guidelines, 2015. Collection method: clinical testing. Allele origin: germline. Affected: yes. Observed: 2 variant alleles.

Literature cited by the submitters: PubMed 37477739 (cited by Ambry Genetics); PubMed 16905551 (cited by Labcorp Genetics (formerly Invitae), Labcorp); PubMed 19349279 (cited by Labcorp Genetics (formerly Invitae), Labcorp); PubMed 16571647 (cited by Labcorp Genetics (formerly Invitae), Labcorp); PubMed 17701892 (cited by Labcorp Genetics (formerly Invitae), Labcorp); PubMed 16222657 (cited by Labcorp Genetics (formerly Invitae), Labcorp); PubMed 31098894 (cited by Labcorp Genetics (formerly Invitae), Labcorp).